The following is an entry in ClinVar:

ClinVar aggregate classification (germline): Uncertain significance. Review status: criteria provided, multiple submitters, no conflicts (2 of 4 stars). 3 submissions from 3 submitters: Uncertain significance (2). 1 of the submissions does not count toward it. Last evaluated 2024-12-21.

Conditions:
COL11A1-related disorder. Also called: COL11A1-related disorders; COL11A1-related condition.

Allele frequency attached by ClinVar (database versions not stated): gnomAD exomes below 0.00001; ExAC 0.00001; gnomAD 0.00001.
gnomAD v4.1: 3 of 1,571,412 alleles (0.00019%); highest among the groups gnomAD compares: Middle Eastern, 0.034%; no homozygotes.

Submissions (3):

Labcorp Genetics (formerly Invitae), Labcorp
Classification: Uncertain significance. Last evaluated: 2024-12-21. Review status: criteria provided, single submitter. Criteria: Invitae Variant Classification Sherloc (09022015). Collection method: clinical testing. Allele origin: germline.
Comment: This sequence change falls in intron 63 of the COL11A1 gene. It does not directly change the encoded amino acid sequence of the COL11A1 protein. It affects a nucleotide within the consensus splice site. This variant is present in population databases (rs774985706, gnomAD 0.0009%). This variant has not been reported in the literature in individuals affected with COL11A1-related conditions. ClinVar contains an entry for this variant (Variation ID: 281443). Variants that disrupt the consensus splice site are a relatively common cause of aberrant splicing (PMID: 17576681, 9536098). Algorithms developed to predict the effect of sequence changes on RNA splicing suggest that this variant is not likely to affect RNA splicing. In summary, the available evidence is currently insufficient to determine the role of this variant in disease. Therefore, it has been classified as a Variant of Uncertain Significance.

Eurofins Ntd Llc (ga)
Classification: Uncertain significance. Last evaluated: 2015-06-18. Review status: criteria provided, single submitter. Criteria: EGL Classification Definitions 2015. Collection method: clinical testing. Allele origin: germline. Observed: 1 variant allele, 1 heterozygote.

PreventionGenetics, part of Exact Sciences
Classification: Likely benign for COL11A1-related condition. Last evaluated: 2024-04-30. Review status: no assertion criteria provided. Collection method: clinical testing. Allele origin: germline. Not counted in ClinVar's aggregate classification.
Comment: This variant is classified as likely benign based on ACMG/AMP sequence variant interpretation guidelines (Richards et al. 2015 PMID: 25741868, with internal and published modifications).

Literature cited by the submitters: PubMed 17576681 (cited by Labcorp Genetics (formerly Invitae), Labcorp); PubMed 9536098 (cited by Labcorp Genetics (formerly Invitae), Labcorp).

NM_001854.4(COL11A1):c.4859-3T>C

Gene: COL11A1 (collagen type XI alpha 1 chain; minus strand). Cytogenetic location: 1p21.1.
Variant type: single nucleotide variant.
Coding change: c.4859-3T>C on transcript NM_001854.4 (MANE Select); 3 bases into the intron before coding-DNA position 4859, T replaced by C.
Molecular consequence: intron variant.
Genome position (GRCh38, 1-based): chr1:102,883,314, A>G on the plus strand (T>C on the coding strand, the complement: COL11A1 is on the minus strand). VCF-style: chr1-102883314-A-G. GRCh37 (hg19) VCF-style: chr1-103348870-A-G.
Other names: c.4742-3T>C (NM_001190709.2); c.4895-3T>C (NM_080629.3); c.4511-3T>C (NM_080630.4); c.4859-3T>C (NM_001854.3).
Identifiers: ClinVar variation 281443 (VCV000281443.8), dbSNP rs774985706, ClinGen allele CA973377.